The following is an entry in ClinVar:

NM_000439.5(PCSK1):c.121G>A (p.Gly41Arg)

Genes: CAST (calpastatin; plus strand), PCSK1 (proprotein convertase subtilisin/kexin type 1; minus strand), LOC101929710 (uncharacterized LOC101929710; plus strand). Cytogenetic location: 5q15.
Variant type: single nucleotide variant.
Coding change: c.121G>A on transcript NM_000439.5 (MANE Select); coding-DNA position 121, G replaced by A.
Protein change: p.Gly41Arg; replaces glycine 41 with arginine.
Molecular consequence: missense variant.
Genome position (GRCh38, 1-based): chr5:96,432,922, C>T on the plus strand (G>A on the coding strand, the complement: PCSK1 is on the minus strand). VCF-style: chr5-96432922-C-T. GRCh37 (hg19) VCF-style: chr5-95768626-C-T.
Other names: short protein forms G41R.
Identifiers: ClinVar variation 907946 (VCV000907946.8), dbSNP rs765217767, ClinGen allele CA3350597.

ClinVar aggregate classification (germline): Uncertain significance. Review status: criteria provided, multiple submitters, no conflicts (2 of 4 stars). 3 submissions from 3 submitters: Uncertain significance (3). Last evaluated 2026-07-05.

Conditions:
PCSK1-related disorder. Also called: PCSK1-related condition.
Obesity due to prohormone convertase I deficiency. Also called: OBESITY AND ENDOCRINOPATHY DUE TO IMPAIRED PROCESSING OF PROHORMONES. Identifiers: Orphanet 71528, MedGen C1833053, MONDO:0010961, OMIM 600955.
Inborn genetic diseases. Identifiers: MedGen C0950123, MeSH D030342.

Allele frequency attached by ClinVar (database versions not stated): ExAC 0.00003; gnomAD 0.00005 and 0.00006; gnomAD exomes 0.00006; TOPMed 0.00006.
gnomAD v4.1: 65 of 1,614,050 alleles (0.004%); highest among the groups gnomAD compares: Non-Finnish European, 0.00068%; no homozygotes.

Submissions (3):

PreventionGenetics, part of Exact Sciences
Classification: Uncertain significance for PCSK1-related condition. Last evaluated: 2026-07-05. Review status: criteria provided, single submitter. Criteria: ACMG Guidelines, 2015. Collection method: clinical testing. Allele origin: germline.
Comment: The PCSK1 c.121G>A variant is predicted to result in the amino acid substitution p.Gly41Arg. This variant has been observed in a cohort of obese individuals, however in vitro functional studies showed inconclusive evidence of loss of function (Supplemental Data Set, Shah et al. 2023. PubMed ID: 36864747). This variant is reported in 0.13% of alleles in individuals of Ashkenazi Jewish descent in gnomAD. At this time, the clinical significance of this variant is uncertain due to the absence of conclusive functional and genetic evidence.

Ambry Genetics
Classification: Uncertain significance for Inborn genetic diseases. Last evaluated: 2023-06-01. Review status: criteria provided, single submitter. Criteria: Ambry Variant Classification Scheme 2023. Collection method: clinical testing. Allele origin: germline.

Illumina Laboratory Services, Illumina
Classification: Uncertain significance for Obesity due to prohormone convertase I deficiency. Last evaluated: 2018-01-12. Review status: criteria provided, single submitter. Criteria: ICSL Variant Classification Criteria 13 December 2019. Collection method: clinical testing. Allele origin: germline.